The following is an entry in ClinVar:

NM_006910.5(RBBP6):c.4731G>A (p.Arg1577=)

Gene: RBBP6 (RB binding protein 6, ubiquitin ligase; plus strand). Cytogenetic location: 16p12.1.
Variant type: single nucleotide variant.
Coding change: c.4731G>A on transcript NM_006910.5 (MANE Select); coding-DNA position 4731, G replaced by A.
Protein change: p.Arg1577=; no amino-acid change (arginine 1577 retained).
Molecular consequence: synonymous variant.
Genome position (GRCh38, 1-based): chr16:24,571,797, G>A. VCF-style: chr16-24571797-G-A. GRCh37 (hg19) VCF-style: chr16-24583118-G-A.
Other names: c.4629G>A, p.Arg1543= (NM_018703.4).
Identifiers: ClinVar variation 2646332 (VCV002646332.24), dbSNP rs145304258, ClinGen allele CA7968008.

ClinVar aggregate classification (germline): Likely benign (1 of 4 stars; one submission).

Allele frequency attached by ClinVar (database versions not stated): ExAC 0.00002; gnomAD 0.00003; TOPMed 0.00003; ESP Exome Variant Server 0.00015.
gnomAD v4.1: 120 of 1,613,836 alleles (0.0074%); highest among the groups gnomAD compares: Non-Finnish European, 0.0099%; no homozygotes.

Submission:

CeGaT Center for Human Genetics Tuebingen
Classification: Likely benign. Last evaluated: 2022-03-01. Review status: criteria provided, single submitter. Criteria: CeGaT Center For Human Genetics Tuebingen Variant Classification Criteria Version 2. Collection method: clinical testing. Allele origin: germline. Affected: yes. Observed: 1 variant allele.
Comment: RBBP6: BP4, BP7